The following is an entry in ClinVar:

NM_001614.5(ACTG1):c.848T>C (p.Met283Thr)

Gene: ACTG1 (actin gamma 1; minus strand). Cytogenetic location: 17q25.3.
Variant type: single nucleotide variant.
Coding change: c.848T>C on transcript NM_001614.5 (MANE Select); coding-DNA position 848, T replaced by C.
Protein change: p.Met283Thr; replaces methionine 283 with threonine.
Molecular consequence: missense variant. On other transcripts: non-coding transcript variant (1).
Genome position (GRCh38, 1-based): chr17:81,511,063, A>G on the plus strand (T>C on the coding strand, the complement: ACTG1 is on the minus strand). VCF-style: chr17-81511063-A-G. GRCh37 (hg19) VCF-style: chr17-79478089-A-G.
Other names: c.848T>C, p.Met283Thr (NM_001199954.3); short protein forms M283T.
Identifiers: ClinVar variation 1526065 (VCV001526065.2), dbSNP rs2143775617, ClinGen allele CA401459329.

ClinVar aggregate classification (germline): Likely pathogenic. Review status: criteria provided, multiple submitters, no conflicts (2 of 4 stars). 2 submissions from 2 submitters: Likely pathogenic (2). Last evaluated 2023-02-28.

Conditions:
Autosomal dominant nonsyndromic hearing loss 20. Identifiers: Orphanet 90635, MedGen C1858172, MONDO:0011480, OMIM 604717.

Allele frequency attached by ClinVar (database versions not stated): gnomAD exomes below 0.00001.
gnomAD v4.1: 1 of 1,613,992 alleles (0.000062%); highest among the groups gnomAD compares: Non-Finnish European, 0.000085%; no homozygotes.

Submissions (2):

King Laboratory, University of Washington
Classification: Likely pathogenic for Autosomal dominant nonsyndromic hearing loss 20. Last evaluated: 2023-02-28. Review status: criteria provided, single submitter. Criteria: Li et al. (Genet Med. 2022). Collection method: research. Allele origin: maternal. Affected: yes.
Comment: This variant was found in heterozygosity in a patient and their mother, both with bilateral sensorineural hearing loss of onset <18 years, in a study of pediatric hearing loss conducted by the King Laboratory (Carlson RJ et al. JAMA-OtoHNS 2023). This variant is a missense at a completely conserved site and is predicted to be damaging by multiple in-silico tools. As of January 2023, this variant has been reported to ClinVar as likely pathogenic and is not found on gnomAD. Based on consistently predicted functional effect, co-segregation with the phenotype in the family, and goodness of fit of genotype to phenotype, we conclude that this variant is likely pathogenic.

3billion
Classification: Likely pathogenic for Autosomal dominant nonsyndromic hearing loss 20. Last evaluated: 2022-03-22. Review status: criteria provided, single submitter. Criteria: ACMG Guidelines, 2015. Collection method: clinical testing. Allele origin: germline. Affected: yes. Observed: 1 heterozygote.
Comment: A different missense change at the same codon has been reported as pathogenic/likely pathogenic with strong evidence (ClinVar ID: VCV000546156, PMID:30622556). In silico tool predictions suggest damaging effect of the variant on gene or gene product (REVEL: 0.916>=0.6, 3CNET: 0.975>=0.75). Missense changes are a common disease-causing mechanism. It is not observed in the gnomAD v2.1.1 dataset. Same nucleotide change resulting in same amino acid change has been previously reported to be associated with ACTG1 related disorder (PMID: 29986705). Therefore, this variant is classified as likely pathogenic according to the recommendation of ACMG/AMP guideline.

Literature cited by the submitters: PubMed 36633841 (cited by King Laboratory, University of Washington); PubMed 29986705 (cited by 3billion); PubMed 30622556 (cited by 3billion).